The following is an entry in ClinVar:

NM_001283009.2(RTEL1):c.1992T>A (p.Asp664Glu)

Genes: RTEL1 (regulator of telomere elongation helicase 1; plus strand), RTEL1-TNFRSF6B (RTEL1-TNFRSF6B readthrough (NMD candidate); plus strand). Cytogenetic location: 20q13.33.
Variant type: single nucleotide variant.
Coding change: c.1992T>A on transcript NM_001283009.2 (MANE Select); coding-DNA position 1992, T replaced by A.
Protein change: p.Asp664Glu; replaces aspartic acid 664 with glutamic acid.
Molecular consequence: missense variant. On other transcripts: non-coding transcript variant (1).
Genome position (GRCh38, 1-based): chr20:63,689,615, T>A. VCF-style: chr20-63689615-T-A. GRCh37 (hg19) VCF-style: chr20-62320968-T-A.
Other names: c.1323T>A, p.Asp441Glu (NM_001283010.1); c.1992T>A, p.Asp664Glu (NM_016434.4); c.2064T>A, p.Asp688Glu (NM_032957.5); short protein forms D441E, D664E, D688E.
Identifiers: ClinVar variation 3752005 (VCV003752005.2).

ClinVar aggregate classification (germline): Uncertain significance (1 of 4 stars; one submission).

Conditions:
Dyskeratosis congenita, autosomal recessive 5 (DKCB5). Identifiers: MedGen C3554656, MONDO:0014076, OMIM 615190.
Pulmonary fibrosis and/or bone marrow failure, Telomere-related, 3. Also called: PULMONARY FIBROSIS AND/OR BONE MARROW FAILURE SYNDROME, TELOMERE-RELATED, 3. Identifiers: Orphanet 2032, MedGen C4225346, MONDO:0014613, OMIM 616373.

Submission:

Labcorp Genetics (formerly Invitae), Labcorp
Classification: Uncertain significance for Dyskeratosis congenita, autosomal recessive 5; Pulmonary fibrosis and/or bone marrow failure, Telomere-related, 3. Last evaluated: 2025-04-07. Review status: criteria provided, single submitter. Criteria: Invitae Variant Classification Sherloc (09022015). Collection method: clinical testing. Allele origin: germline.
Comment: This sequence change replaces aspartic acid, which is acidic and polar, with glutamic acid, which is acidic and polar, at codon 664 of the RTEL1 protein (p.Asp664Glu). This variant is not present in population databases (gnomAD no frequency). This variant has not been reported in the literature in individuals affected with RTEL1-related conditions. ClinVar contains an entry for this variant (Variation ID: 3752005). An algorithm developed to predict the effect of missense changes on protein structure and function (PolyPhen-2) suggests that this variant is likely to be disruptive. In summary, the available evidence is currently insufficient to determine the role of this variant in disease. Therefore, it has been classified as a Variant of Uncertain Significance.